The following is an entry in ClinVar:

NM_004006.3(DMD):c.2120C>G (p.Pro707Arg)

Gene: DMD (dystrophin; minus strand). Cytogenetic location: Xp21.1.
Variant type: single nucleotide variant.
Coding change: c.2120C>G on transcript NM_004006.3 (MANE Select); coding-DNA position 2120, C replaced by G.
Protein change: p.Pro707Arg; replaces proline 707 with arginine.
Molecular consequence: missense variant.
Genome position (GRCh38, 1-based): chrX:32,545,207, G>C on the plus strand (C>G on the coding strand, the complement: DMD is on the minus strand). VCF-style: chrX-32545207-G-C. GRCh37 (hg19) VCF-style: chrX-32563324-G-C.
Other names: c.2096C>G, p.Pro699Arg (NM_000109.4); c.2108C>G, p.Pro703Arg (NM_004009.3); c.1751C>G, p.Pro584Arg (NM_004010.3); short protein forms P584R, P707R, P699R, P703R.
Identifiers: ClinVar variation 5035403 (VCV005035403.1).

ClinVar aggregate classification (germline): Uncertain significance (1 of 4 stars; one submission).

Conditions:
Cardiovascular phenotype. Identifiers: MedGen CN230736.

gnomAD v4.1: 1 of 1,208,845 alleles (0.000083%); highest among the groups gnomAD compares: Non-Finnish European, 0.00011%; no homozygotes.

Submission:

Ambry Genetics
Classification: Uncertain significance for Cardiovascular phenotype. Last evaluated: 2026-08-29. Review status: criteria provided, single submitter. Criteria: Ambry Variant Classification Scheme 2023. Collection method: clinical testing. Allele origin: germline.
Comment: The p.P707R variant (also known as c.2120C>G), located in coding exon 17 of the DMD gene, results from a C to G substitution at nucleotide position 2120. The proline at codon 707 is replaced by arginine, an amino acid with dissimilar properties. This amino acid position is conserved. In addition, this alteration is predicted to be deleterious by in silico analysis. Based on the available evidence, the clinical significance of this variant remains unclear.